The following is an entry in ClinVar:

NM_006379.5(SEMA3C):c.1181C>A (p.Pro394Gln)

Gene: SEMA3C (semaphorin 3C; minus strand). Cytogenetic location: 7q21.11.
Variant type: single nucleotide variant.
Coding change: c.1181C>A on transcript NM_006379.5 (MANE Select); coding-DNA position 1181, C replaced by A.
Protein change: p.Pro394Gln; replaces proline 394 with glutamine.
Molecular consequence: missense variant.
Genome position (GRCh38, 1-based): chr7:80,789,479, G>T on the plus strand (C>A on the coding strand, the complement: SEMA3C is on the minus strand). VCF-style: chr7-80789479-G-T. GRCh37 (hg19) VCF-style: chr7-80418795-G-T.
Other names: c.1235C>A, p.Pro412Gln (NM_001350120.2); c.1007C>A, p.Pro336Gln (NM_001350121.2); short protein forms P336Q, P394Q, P412Q.
Identifiers: ClinVar variation 3344727 (VCV003344727.1).
Genomic context (GRCh38, chr7:80,789,479, plus strand): 5'-ATTGGGTAGATGGAATTGTACATGAGAGGATGGTTCCGAATAAAAGTGACAACATCATCT[G>T]GGAACTCCTTGGTGGTTCGCATATTGGGTGTAAATGCTCCTCCTGGACACTAGAAAGAAA-3'
Protein context (NP_006370.1, residues 384-404): TPNMRTTKEF[Pro394Gln]DDVVTFIRNH

ClinVar aggregate classification (germline): Uncertain significance (0 of 4 stars; one submission).

Conditions:
SEMA3C-related disorder. Also called: SEMA3C-related condition.

Submission:

PreventionGenetics, part of Exact Sciences
Classification: Uncertain significance for SEMA3C-related condition. Last evaluated: 2024-09-07. Review status: no assertion criteria provided. Collection method: clinical testing. Allele origin: germline.
Comment: The SEMA3C c.1235C>A variant is predicted to result in the amino acid substitution p.Pro412Gln. To our knowledge, this variant has not been reported in the literature or in a large population database, indicating this variant is rare. At this time, the clinical significance of this variant is uncertain due to the absence of conclusive functional and genetic evidence.